The following is an entry in ClinVar:

ClinVar aggregate classification (germline): Uncertain significance (1 of 4 stars; one submission).

gnomAD v4.1: 8 of 1,614,068 alleles (0.0005%); highest among the groups gnomAD compares: Middle Eastern, 0.016%; no homozygotes.

Submission:

GeneDx
Classification: Uncertain significance. Last evaluated: 2026-04-01. Review status: criteria provided, single submitter. Criteria: GeneDx Variant Classification Process June 2021. Collection method: clinical testing. Allele origin: germline.
Comment: Not observed at significant frequency in large population cohorts (gnomAD); In silico analysis suggests that this missense variant does not alter protein structure/function; Has not been previously published as pathogenic or benign to our knowledge

NM_015340.4(LARS2):c.197G>A (p.Arg66Gln)

Gene: LARS2 (leucyl-tRNA synthetase 2, mitochondrial; plus strand). Cytogenetic location: 3p21.31.
Variant type: single nucleotide variant.
Coding change: c.197G>A on transcript NM_015340.4 (MANE Select); coding-DNA position 197, G replaced by A.
Protein change: p.Arg66Gln; replaces arginine 66 with glutamine.
Molecular consequence: missense variant.
Genome position (GRCh38, 1-based): chr3:45,394,650, G>A. VCF-style: chr3-45394650-G-A. GRCh37 (hg19) VCF-style: chr3-45436142-G-A.
Other names: c.197G>A, p.Arg66Gln (NM_001368263.1); short protein forms R66Q.
Identifiers: ClinVar variation 5017009 (VCV005017009.1).